The following is an entry in ClinVar:

NM_000142.5(FGFR3):c.111A>C (p.Glu37Asp)

Gene: FGFR3 (fibroblast growth factor receptor 3; plus strand). Cytogenetic location: 4p16.3.
Variant type: single nucleotide variant.
Coding change: c.111A>C on transcript NM_000142.5 (MANE Select); coding-DNA position 111, A replaced by C.
Protein change: p.Glu37Asp; replaces glutamic acid 37 with aspartic acid.
Molecular consequence: missense variant. On other transcripts: non-coding transcript variant (1).
Genome position (GRCh38, 1-based): chr4:1,799,255, A>C. VCF-style: chr4-1799255-A-C. GRCh37 (hg19) VCF-style: chr4-1800982-A-C.
Other names: c.111A>C, p.Glu37Asp (NM_001163213.2, NM_001354809.2, NM_001354810.2 and 1 more transcripts); short protein forms E37D.
Identifiers: ClinVar variation 3659087 (VCV003659087.2).

ClinVar aggregate classification (germline): Uncertain significance (1 of 4 stars; one submission).

gnomAD v4.1: 1 of 1,612,426 alleles (0.000062%); highest among the groups gnomAD compares: South Asian, 0.0011%; no homozygotes.

Submission:

Labcorp Genetics (formerly Invitae), Labcorp
Classification: Uncertain significance. Last evaluated: 2024-02-02. Review status: criteria provided, single submitter. Criteria: Invitae Variant Classification Sherloc (09022015). Collection method: clinical testing. Allele origin: germline.
Comment: This sequence change replaces glutamic acid, which is acidic and polar, with aspartic acid, which is acidic and polar, at codon 37 of the FGFR3 protein (p.Glu37Asp). This variant is present in population databases (rs747890000, gnomAD 0.003%). This variant has not been reported in the literature in individuals affected with FGFR3-related conditions. An algorithm developed to predict the effect of missense changes on protein structure and function (PolyPhen-2) suggests that this variant is likely to be tolerated. In summary, the available evidence is currently insufficient to determine the role of this variant in disease. Therefore, it has been classified as a Variant of Uncertain Significance.